The following is an entry in ClinVar:

NM_015599.3(PGM3):c.331G>A (p.Glu111Lys)

Gene: PGM3 (phosphoglucomutase 3; minus strand). Cytogenetic location: 6q14.1.
Variant type: single nucleotide variant.
Coding change: c.331G>A on transcript NM_015599.3 (MANE Select); coding-DNA position 331, G replaced by A.
Protein change: p.Glu111Lys; replaces glutamic acid 111 with lysine.
Molecular consequence: missense variant. On other transcripts: non-coding transcript variant (1).
Genome position (GRCh38, 1-based): chr6:83,188,672, C>T on the plus strand (G>A on the coding strand, the complement: PGM3 is on the minus strand). VCF-style: chr6-83188672-C-T. GRCh37 (hg19) VCF-style: chr6-83898391-C-T.
Other names: c.415G>A, p.Glu139Lys (NM_001199917.2, NM_001367287.1); c.88G>A, p.Glu30Lys (NM_001199918.2); c.331G>A, p.Glu111Lys (NM_001199919.2, NM_001367286.1); short protein forms E111K, E139K, E30K.
Identifiers: ClinVar variation 1414234 (VCV001414234.5), dbSNP rs2128506406, ClinGen allele CA364851689.

ClinVar aggregate classification (germline): Uncertain significance (1 of 4 stars; one submission).

Conditions:
Immunodeficiency 23 (IMD23). Also called: IMMUNODEFICIENCY WITH HYPER IgE AND COGNITIVE IMPAIRMENT; IMMUNODEFICIENCY-VASCULITIS-MYOCLONUS SYNDROME. Identifiers: Orphanet 443811, MedGen C4014371, MONDO:0014353, OMIM 615816.

Allele frequency attached by ClinVar (database versions not stated): gnomAD exomes below 0.00001.
gnomAD v4.1: 1 of 1,613,946 alleles (0.000062%); highest among the groups gnomAD compares: African/African-American, 0.0013%; no homozygotes.

Submission:

Labcorp Genetics (formerly Invitae), Labcorp
Classification: Uncertain significance for Immunodeficiency 23. Last evaluated: 2022-09-01. Review status: criteria provided, single submitter. Criteria: Invitae Variant Classification Sherloc (09022015). Collection method: clinical testing. Allele origin: germline.
Comment: This sequence change replaces glutamic acid, which is acidic and polar, with lysine, which is basic and polar, at codon 139 of the PGM3 protein (p.Glu139Lys). This variant is not present in population databases (gnomAD no frequency). This variant has not been reported in the literature in individuals affected with PGM3-related conditions. ClinVar contains an entry for this variant (Variation ID: 1414234). Algorithms developed to predict the effect of missense changes on protein structure and function (SIFT, PolyPhen-2, Align-GVGD) all suggest that this variant is likely to be tolerated. In summary, the available evidence is currently insufficient to determine the role of this variant in disease. Therefore, it has been classified as a Variant of Uncertain Significance.